The following is an entry in ClinVar:

ClinVar aggregate classification (germline): Conflicting classifications of pathogenicity. Review status: criteria provided, conflicting classifications (1 of 4 stars). 6 submissions from 6 submitters: Uncertain significance (4); Likely benign (1). 1 of the submissions does not count toward it. Last evaluated 2026-01-06.

Conditions:
BMPR1B-related disorder. Also called: BMPR1B-related condition.
Inborn genetic diseases. Identifiers: MedGen C0950123, MeSH D030342.
Type A2 brachydactyly (BDA2). Also called: BRACHYMESOPHALANGY II; Brachymesophalangy type 2; MOHR-WRIEDT TYPE BRACHYDACTYLY. Identifiers: Orphanet 93396, MedGen C1832702, MONDO:0007216, OMIM 112600, HP:0009372.
Acromesomelic dysplasia 3 (AMD3). Also called: CHONDRODYSPLASIA, ACROMESOMELIC, WITH OR WITHOUT GENITAL ANOMALIES; Acromesomelic dysplasia, Demirhan type. Identifiers: MedGen C4225404, MONDO:0012274, OMIM 609441.
Brachydactyly type A1D. Also called: Brachydactyly, type a1, d. Identifiers: Orphanet 93388, MedGen C4225183, MONDO:0014798, OMIM 616849.

Allele frequency attached by ClinVar (database versions not stated): TOPMed 0.00002; gnomAD exomes 0.00006; ExAC 0.00007.

Submissions (6):

Labcorp Genetics (formerly Invitae), Labcorp
Classification: Likely benign for Type A2 brachydactyly; Acromesomelic dysplasia 3. Last evaluated: 2026-01-06. Review status: criteria provided, single submitter. Criteria: Invitae Variant Classification Sherloc (09022015). Collection method: clinical testing. Allele origin: germline.

Ambry Genetics
Classification: Uncertain significance for Inborn genetic diseases. Last evaluated: 2024-08-07. Review status: criteria provided, single submitter. Criteria: Ambry Variant Classification Scheme 2023. Collection method: clinical testing. Allele origin: germline.

Department of Pathology and Laboratory Medicine, Sinai Health System
Classification: Uncertain significance for Type A2 brachydactyly; Acromesomelic dysplasia 3; Brachydactyly type A1D. Last evaluated: 2021-07-30. Review status: criteria provided, single submitter. Criteria: ACMG Guidelines, 2015. Collection method: research. Allele origin: germline.

GeneDx
Classification: Uncertain significance. Last evaluated: 2021-04-08. Review status: criteria provided, single submitter. Criteria: GeneDx Variant Classification Process June 2021. Collection method: clinical testing. Allele origin: germline. Affected: yes.
Comment: In silico analysis supports that this missense variant does not alter protein structure/function; Has not been previously published as pathogenic or benign to our knowledge

Eurofins Ntd Llc (ga)
Classification: Uncertain significance. Last evaluated: 2015-12-16. Review status: criteria provided, single submitter. Criteria: EGL Classification Definitions 2015. Collection method: clinical testing. Allele origin: germline. Observed: 1 variant allele, 1 heterozygote.

PreventionGenetics, part of Exact Sciences
Classification: Uncertain significance for BMPR1B-related condition. Last evaluated: 2023-11-16. Review status: no assertion criteria provided. Collection method: clinical testing. Allele origin: germline. Not counted in ClinVar's aggregate classification.
Comment: The BMPR1B c.289A>G variant is predicted to result in the amino acid substitution p.Thr97Ala. To our knowledge, this variant has not been reported in the literature. This variant is reported in 0.016% of alleles in individuals of East Asian descent in gnomAD. At this time, the clinical significance of this variant is uncertain due to the absence of conclusive functional and genetic evidence.

NM_001203.3(BMPR1B):c.289A>G (p.Thr97Ala)

Gene: BMPR1B (bone morphogenetic protein receptor type 1B; plus strand). Cytogenetic location: 4q22.3.
Variant type: single nucleotide variant.
Coding change: c.289A>G on transcript NM_001203.3 (MANE Select); coding-DNA position 289, A replaced by G.
Protein change: p.Thr97Ala; replaces threonine 97 with alanine.
Molecular consequence: missense variant.
Genome position (GRCh38, 1-based): chr4:95,115,727, A>G. VCF-style: chr4-95115727-A-G. GRCh37 (hg19) VCF-style: chr4-96036878-A-G.
Other names: c.289A>G, p.Thr97Ala (NM_001256792.2, NM_001256794.1); c.379A>G, p.Thr127Ala (NM_001256793.2); short protein forms T97A, T127A.
Identifiers: ClinVar variation 285442 (VCV000285442.16), dbSNP rs759423600, ClinGen allele CA3014934.